The following is an entry in ClinVar:

ClinVar aggregate classification (germline): Pathogenic (1 of 4 stars; one submission).

Conditions:
Familial adenomatous polyposis 1 (FAP1). Also called: FAMILIAL ADENOMATOUS POLYPOSIS 1, ATTENUATED; POLYPOSIS, ADENOMATOUS INTESTINAL. Identifiers: MedGen C2713442, MONDO:0021056, OMIM 175100. Disease mechanism: loss of function.

Submission:

Labcorp Genetics (formerly Invitae), Labcorp
Classification: Pathogenic for Familial adenomatous polyposis 1. Last evaluated: 2024-05-29. Review status: criteria provided, single submitter. Criteria: Invitae Variant Classification Sherloc (09022015). Collection method: clinical testing. Allele origin: germline.
Comment: This sequence change creates a premature translational stop signal (p.Ser346Ilefs*19) in the APC gene. It is expected to result in an absent or disrupted protein product. Loss-of-function variants in APC are known to be pathogenic (PMID: 17963004, 20685668). This variant is not present in population databases (gnomAD no frequency). This variant has not been reported in the literature in individuals affected with APC-related conditions. ClinVar contains an entry for this variant (Variation ID: 2008229). For these reasons, this variant has been classified as Pathogenic.

Literature cited by the submitters: PubMed 17963004; PubMed 20685668.

NM_000038.6(APC):c.1034dup (p.Ser346fs)

Gene: APC (APC regulator of Wnt signaling pathway; plus strand). Cytogenetic location: 5q22.2.
Variant type: Duplication.
Coding change: c.1034dup on transcript NM_000038.6 (MANE Select); coding-DNA position 1034, one base duplicated (T; older notation c.1034dupT).
Protein change: p.Ser346fs; shifts the reading frame from serine 346.
Molecular consequence: frameshift variant. On other transcripts: intron variant (4).
Genome position (GRCh38, 1-based): chr5:112,819,066, T duplicated. VCF-style (leftmost placement, unchanged base first): chr5-112819065-A-AT. GRCh37 (hg19) VCF-style: chr5-112154762-A-AT.
Other names: c.1034dup, p.Ser346fs (NM_001127510.3, NM_001354895.2, NM_001354896.2); c.980dup, p.Ser328fs (NM_001127511.3); c.1064dup, p.Ser356fs (NM_001354897.2); c.959dup, p.Ser321fs (NM_001354898.2); c.950dup, p.Ser318fs (NM_001354899.2); c.857dup, p.Ser287fs (NM_001354900.2, NM_001354901.2); c.185dup, p.Ser63fs (NM_001354906.2); c.1064dup, p.Ser356Ilefs (NM_001407446.1); and 9 more; short protein forms S318fs, S346fs, S287fs, S63fs, S321fs, S328fs, S356fs.
Identifiers: ClinVar variation 2008229 (VCV002008229.4), dbSNP rs2533040875, ClinGen allele CA2580072466.